The following is an entry in ClinVar:

ClinVar aggregate classification (germline): Uncertain significance (1 of 4 stars; one submission).

Allele frequency attached by ClinVar (database versions not stated): gnomAD exomes below 0.00001; TOPMed below 0.00001; gnomAD 0.00001.
gnomAD v4.1: 4 of 1,564,730 alleles (0.00026%); highest among the groups gnomAD compares: Non-Finnish European, 0.00035%; no homozygotes.

Submission:

Labcorp Genetics (formerly Invitae), Labcorp
Classification: Uncertain significance. Last evaluated: 2022-03-03. Review status: criteria provided, single submitter. Criteria: Invitae Variant Classification Sherloc (09022015). Collection method: clinical testing. Allele origin: germline.
Comment: In summary, the available evidence is currently insufficient to determine the role of this variant in disease. Therefore, it has been classified as a Variant of Uncertain Significance. Algorithms developed to predict the effect of missense changes on protein structure and function (SIFT, PolyPhen-2, Align-GVGD) all suggest that this variant is likely to be disruptive. This variant has not been reported in the literature in individuals affected with PLEKHG2-related conditions. This variant is present in population databases (no rsID available, gnomAD 0.001%). This sequence change replaces glutamic acid, which is acidic and polar, with lysine, which is basic and polar, at codon 595 of the PLEKHG2 protein (p.Glu595Lys).

NM_022835.3(PLEKHG2):c.1783G>A (p.Glu595Lys)

Gene: PLEKHG2 (pleckstrin homology and RhoGEF domain containing G2; plus strand). Cytogenetic location: 19q13.2.
Variant type: single nucleotide variant.
Coding change: c.1783G>A on transcript NM_022835.3 (MANE Select); coding-DNA position 1783, G replaced by A.
Protein change: p.Glu595Lys; replaces glutamic acid 595 with lysine.
Molecular consequence: missense variant. On other transcripts: intron variant (1).
Genome position (GRCh38, 1-based): chr19:39,422,837, G>A. VCF-style: chr19-39422837-G-A. GRCh37 (hg19) VCF-style: chr19-39913477-G-A.
Other names: c.1606G>A, p.Glu536Lys (NM_001351693.2); c.1677+549G>A (NM_001351694.2); short protein forms E595K, E536K.
Identifiers: ClinVar variation 1441744 (VCV001441744.8), dbSNP rs1489593887, ClinGen allele CA405796243.